The following is an entry in ClinVar:

NM_022089.4(ATP13A2):c.1272C>A (p.His424Gln)

Gene: ATP13A2 (ATPase cation transporting 13A2; minus strand). Cytogenetic location: 1p36.13.
Variant type: single nucleotide variant.
Coding change: c.1272C>A on transcript NM_022089.4 (MANE Select); coding-DNA position 1272, C replaced by A.
Protein change: p.His424Gln; replaces histidine 424 with glutamine.
Molecular consequence: missense variant.
Genome position (GRCh38, 1-based): chr1:16,996,420, G>T on the plus strand (C>A on the coding strand, the complement: ATP13A2 is on the minus strand). VCF-style: chr1-16996420-G-T. GRCh37 (hg19) VCF-style: chr1-17322915-G-T.
Other names: c.1257C>A, p.His419Gln (NM_001141973.3, NM_001141974.3); short protein forms H419Q, H424Q.
Identifiers: ClinVar variation 2107180 (VCV002107180.4), dbSNP rs2523641871, ClinGen allele CA338254421.

ClinVar aggregate classification (germline): Uncertain significance (1 of 4 stars; one submission).

Conditions:
Kufor-Rakeb syndrome (KRS). Also called: PARKINSON DISEASE 9, AUTOSOMAL RECESSIVE, JUVENILE-ONSET. Identifiers: Orphanet 306674, Orphanet 314632, MedGen C1847640, MONDO:0011706, OMIM 606693.
Autosomal recessive spastic paraplegia type 78. Identifiers: Orphanet 513436, MedGen C5567893, MONDO:0014975, OMIM 617225.

Submission:

Labcorp Genetics (formerly Invitae), Labcorp
Classification: Uncertain significance for Kufor-Rakeb syndrome; Autosomal recessive spastic paraplegia type 78. Last evaluated: 2022-03-05. Review status: criteria provided, single submitter. Criteria: Invitae Variant Classification Sherloc (09022015). Collection method: clinical testing. Allele origin: germline.
Comment: This sequence change replaces histidine, which is basic and polar, with glutamine, which is neutral and polar, at codon 424 of the ATP13A2 protein (p.His424Gln). This variant is not present in population databases (gnomAD no frequency). This variant has not been reported in the literature in individuals affected with ATP13A2-related conditions. Advanced modeling of protein sequence and biophysical properties (such as structural, functional, and spatial information, amino acid conservation, physicochemical variation, residue mobility, and thermodynamic stability) performed at Invitae indicates that this missense variant is not expected to disrupt ATP13A2 protein function. In summary, the available evidence is currently insufficient to determine the role of this variant in disease. Therefore, it has been classified as a Variant of Uncertain Significance.